The following is an entry in ClinVar:

ClinVar aggregate classification (germline): Likely benign. Review status: criteria provided, multiple submitters, no conflicts (2 of 4 stars). 2 submissions from 2 submitters: Likely benign (2). Last evaluated 2025-05-08.

Conditions:
RP1L1-related disorder. Also called: RP1L1-related condition.

gnomAD v4.1: 318 of 1,609,968 alleles (0.02%); highest among the groups gnomAD compares: African/African-American, 0.24%; 1 homozygote.

Submissions (2):

PreventionGenetics, part of Exact Sciences
Classification: Likely benign for RP1L1-related condition. Last evaluated: 2025-05-08. Review status: criteria provided, single submitter. Criteria: ACMG Guidelines, 2015. Collection method: clinical testing. Allele origin: germline.
Comment: This variant is classified as likely benign based on ACMG/AMP sequence variant interpretation guidelines (Richards et al. 2015 PMID: 25741868, with internal and published modifications).

Blueprint Genetics
Classification: Likely benign. Last evaluated: 2024-09-11. Review status: criteria provided, single submitter. Criteria: ACMG Guidelines, 2015. Collection method: clinical testing. Allele origin: germline.

NM_178857.6(RP1L1):c.3298G>A (p.Val1100Met)

Gene: RP1L1 (RP1 like 1). Cytogenetic location: 8p23.1.
Variant type: single nucleotide variant.
Coding change: c.3298G>A on transcript NM_178857.6 (MANE Select); coding-DNA position 3298, G replaced by A.
Protein change: p.Val1100Met; replaces valine 1100 with methionine.
Molecular consequence: missense variant.
Genome position (GRCh38, 1-based): chr8:10,610,800, C>T on the plus strand (G>A on the coding strand, the complement: RP1L1 is on the minus strand). VCF-style: chr8-10610800-C-T. GRCh37 (hg19) VCF-style: chr8-10468310-C-T.
Other names: c.3298G>A (NM_178857.5); short protein forms V1100M.
Identifiers: ClinVar variation 4899201 (VCV004899201.2).
Genomic context (GRCh38, chr8:10,610,800, plus strand): 5'-TAATGAGGGCCCCGGCTGAGCAGCTGAGCCTCCTGGCCATGGGCCTAGACACTTCGGGCA[C>T]GCTGCTGGGCCGGCCCTGCTTGGAGCCCATCAGCGCCCTCATGATCTGCGTGGAGGCAGA-3'
Protein context (NP_849188.4, residues 1090-1110): MGSKQGRPSS[Val1100Met]PEVSRPMARR